The following is an entry in ClinVar:

ClinVar aggregate classification (germline): Uncertain significance (1 of 4 stars; one submission).

Conditions:
PUF60-related disorder. Also called: PUF60-related condition.

Submission:

PreventionGenetics, part of Exact Sciences
Classification: Uncertain significance for PUF60-related condition. Last evaluated: 2025-09-16. Review status: criteria provided, single submitter. Criteria: ACMG Guidelines, 2015. Collection method: clinical testing. Allele origin: germline.
Comment: The PUF60 c.1650G>T variant is predicted to result in the amino acid substitution p.Glu550Asp. To our knowledge, this variant has not been reported in the literature or in a large population database (gnomAD), indicating this variant is rare. At this time, the clinical significance of this variant is uncertain due to the absence of conclusive functional and genetic evidence.

NM_078480.3(PUF60):c.1650G>T (p.Glu550Asp)

Gene: PUF60 (poly(U) binding splicing factor 60; minus strand). Cytogenetic location: 8q24.3.
Variant type: single nucleotide variant.
Coding change: c.1650G>T on transcript NM_078480.3 (MANE Select); coding-DNA position 1650, G replaced by T.
Protein change: p.Glu550Asp; replaces glutamic acid 550 with aspartic acid.
Molecular consequence: missense variant.
Genome position (GRCh38, 1-based): chr8:143,816,550, C>A on the plus strand (G>T on the coding strand, the complement: PUF60 is on the minus strand). VCF-style: chr8-143816550-C-A. GRCh37 (hg19) VCF-style: chr8-144898720-C-A.
Other names: c.1521G>T, p.Glu507Asp (NM_001136033.3); c.1596G>T, p.Glu532Asp (NM_001271096.2); c.1512G>T, p.Glu504Asp (NM_001271097.2); c.1647G>T, p.Glu549Asp (NM_001271098.2); c.1563G>T, p.Glu521Asp (NM_001271099.2); c.1470G>T, p.Glu490Asp (NM_001271100.2); c.1761G>T, p.Glu587Asp (NM_001362895.2, NM_001362896.2); c.1710G>T, p.Glu570Asp (NM_001362897.2); and 1 more; short protein forms E507D, E549D, E570D, E504D, E533D, E550D, E587D, E521D.
Identifiers: ClinVar variation 4994913 (VCV004994913.1).